The following is an entry in ClinVar:

NM_001204.7(BMPR2):c.2477C>T (p.Ala826Val)

Gene: BMPR2 (bone morphogenetic protein receptor type 2; plus strand). Cytogenetic location: 2q33.2.
Variant type: single nucleotide variant.
Coding change: c.2477C>T on transcript NM_001204.7 (MANE Select); coding-DNA position 2477, C replaced by T.
Protein change: p.Ala826Val; replaces alanine 826 with valine.
Molecular consequence: missense variant.
Genome position (GRCh38, 1-based): chr2:202,556,142, C>T. VCF-style: chr2-202556142-C-T. GRCh37 (hg19) VCF-style: chr2-203420865-C-T.
Other names: short protein forms A826V.
Identifiers: ClinVar variation 5033081 (VCV005033081.1).

ClinVar aggregate classification (germline): Uncertain significance (1 of 4 stars; one submission).

Conditions:
Inborn genetic diseases. Identifiers: MedGen C0950123, MeSH D030342.

Submission:

Ambry Genetics
Classification: Uncertain significance for Inborn genetic diseases. Last evaluated: 2026-07-10. Review status: criteria provided, single submitter. Criteria: Ambry Variant Classification Scheme 2023. Collection method: clinical testing. Allele origin: germline.
Comment: The p.A826V variant (also known as c.2477C>T), located in coding exon 12 of the BMPR2 gene, results from a C to T substitution at nucleotide position 2477. The alanine at codon 826 is replaced by valine, an amino acid with similar properties. This amino acid position is conserved. In addition, this alteration is predicted to be tolerated by in silico analysis. Based on the available evidence, the clinical significance of this variant remains unclear.